The following is an entry in ClinVar:

ClinVar aggregate classification (germline): Likely benign. Review status: criteria provided, multiple submitters, no conflicts (2 of 4 stars). 3 submissions from 3 submitters: Likely benign (3). Last evaluated 2025-06-29.

Allele frequency attached by ClinVar (database versions not stated): gnomAD 0.00014; gnomAD exomes 0.00015; 1000 Genomes Project 30x 0.00016; ExAC 0.00016; TOPMed 0.00016; 1000 Genomes Project 0.00020; ESP Exome Variant Server 0.00031.
gnomAD v4.1: 363 of 1,611,988 alleles (0.023%); highest among the groups gnomAD compares: South Asian, 0.044%; no homozygotes.

Submissions (3):

Labcorp Genetics (formerly Invitae), Labcorp
Classification: Likely benign. Last evaluated: 2025-06-29. Review status: criteria provided, single submitter. Criteria: Invitae Variant Classification Sherloc (09022015). Collection method: clinical testing. Allele origin: germline.

Blueprint Genetics
Classification: Likely benign. Last evaluated: 2024-09-19. Review status: criteria provided, single submitter. Criteria: ACMG Guidelines, 2015. Collection method: clinical testing. Allele origin: germline.

CeGaT Center for Human Genetics Tuebingen
Classification: Likely benign. Last evaluated: 2023-08-01. Review status: criteria provided, single submitter. Criteria: CeGaT Center For Human Genetics Tuebingen Variant Classification Criteria Version 2. Collection method: clinical testing. Allele origin: germline. Affected: yes. Observed: 3 variant alleles.
Comment: CPLX1: BP4, BP7

NM_006651.4(CPLX1):c.45C>T (p.Asp15=)

Genes: CPLX1 (complexin 1; minus strand), CPLX1-AS1 (CPLX1 antisense RNA 1; plus strand). Cytogenetic location: 4p16.3.
Variant type: single nucleotide variant.
Coding change: c.45C>T on transcript NM_006651.4 (MANE Select); coding-DNA position 45, C replaced by T.
Protein change: p.Asp15=; no amino-acid change (aspartic acid 15 retained).
Molecular consequence: synonymous variant.
Genome position (GRCh38, 1-based): chr4:792,595, G>A on the plus strand (C>T on the coding strand, the complement: CPLX1 is on the minus strand). VCF-style: chr4-792595-G-A. GRCh37 (hg19) VCF-style: chr4-786383-G-A.
Identifiers: ClinVar variation 1176794 (VCV001176794.41), dbSNP rs199531432, ClinGen allele CA2797012.